The following is an entry in ClinVar:

ClinVar aggregate classification (germline): Uncertain significance (1 of 4 stars; one submission).

Submission:

Labcorp Genetics (formerly Invitae), Labcorp
Classification: Uncertain significance. Last evaluated: 2021-10-28. Review status: criteria provided, single submitter. Criteria: Invitae Variant Classification Sherloc (09022015). Collection method: clinical testing. Allele origin: germline.
Comment: This sequence change replaces arginine, which is basic and polar, with proline, which is neutral and non-polar, at codon 1605 of the COL11A1 protein (p.Arg1605Pro). This variant is not present in population databases (gnomAD no frequency). This variant has not been reported in the literature in individuals affected with COL11A1-related conditions. Algorithms developed to predict the effect of missense changes on protein structure and function are either unavailable or do not agree on the potential impact of this missense change (SIFT: "Deleterious"; PolyPhen-2: "Not Available"; Align-GVGD: "Class C65"). In summary, the available evidence is currently insufficient to determine the role of this variant in disease. Therefore, it has been classified as a Variant of Uncertain Significance.

NM_001854.4(COL11A1):c.4814G>C (p.Arg1605Pro)

Gene: COL11A1 (collagen type XI alpha 1 chain; minus strand). Cytogenetic location: 1p21.1.
Variant type: single nucleotide variant.
Coding change: c.4814G>C on transcript NM_001854.4 (MANE Select); coding-DNA position 4814, G replaced by C.
Protein change: p.Arg1605Pro; replaces arginine 1605 with proline.
Molecular consequence: missense variant. On other transcripts: non-coding transcript variant (1).
Genome position (GRCh38, 1-based): chr1:102,886,851, C>G on the plus strand (G>C on the coding strand, the complement: COL11A1 is on the minus strand). VCF-style: chr1-102886851-C-G. GRCh37 (hg19) VCF-style: chr1-103352407-C-G.
Other names: c.4697G>C, p.Arg1566Pro (NM_001190709.2); c.4850G>C, p.Arg1617Pro (NM_080629.3); c.4466G>C, p.Arg1489Pro (NM_080630.4); short protein forms R1566P, R1605P, R1617P, R1489P.
Identifiers: ClinVar variation 1389875 (VCV001389875.6), dbSNP rs371100196, ClinGen allele CA341211802.